The following is an entry in ClinVar:

ClinVar aggregate classification (germline): Uncertain significance. Review status: criteria provided, multiple submitters, no conflicts (2 of 4 stars). 2 submissions from 2 submitters: Uncertain significance (2). Last evaluated 2025-02-04.

Conditions:
Hereditary cancer-predisposing syndrome. Also called: Neoplastic Syndromes, Hereditary; Hereditary Cancer Syndrome; Hereditary neoplastic syndrome; Tumor predisposition. Identifiers: Orphanet 140162, MedGen C0027672, MeSH D009386, MONDO:0015356.

Submissions (2):

Ambry Genetics
Classification: Uncertain significance for Hereditary cancer-predisposing syndrome. Last evaluated: 2025-02-04. Review status: criteria provided, single submitter. Criteria: Ambry Variant Classification Scheme 2023. Collection method: clinical testing. Allele origin: germline.
Comment: The p.S2173F variant (also known as c.6518C>T), located in coding exon 46 of the POLE gene, results from a C to T substitution at nucleotide position 6518. The serine at codon 2173 is replaced by phenylalanine, an amino acid with highly dissimilar properties. This amino acid position is conserved. In addition, this alteration is predicted to be tolerated by in silico analysis. Based on the available evidence, the clinical significance of this variant remains unclear.

Labcorp Genetics (formerly Invitae), Labcorp
Classification: Uncertain significance. Last evaluated: 2021-11-29. Review status: criteria provided, single submitter. Criteria: Invitae Variant Classification Sherloc (09022015). Collection method: clinical testing. Allele origin: germline.
Comment: In summary, the available evidence is currently insufficient to determine the role of this variant in disease. Therefore, it has been classified as a Variant of Uncertain Significance. Algorithms developed to predict the effect of missense changes on protein structure and function (SIFT, PolyPhen-2, Align-GVGD) all suggest that this variant is likely to be tolerated. This sequence change replaces serine, which is neutral and polar, with phenylalanine, which is neutral and non-polar, at codon 2173 of the POLE protein (p.Ser2173Phe). This variant is not present in population databases (gnomAD no frequency). This variant has not been reported in the literature in individuals affected with POLE-related conditions. ClinVar contains an entry for this variant (Variation ID: 540750).

NM_006231.4(POLE):c.6518C>T (p.Ser2173Phe)

Gene: POLE (DNA polymerase epsilon, catalytic subunit; minus strand). Cytogenetic location: 12q24.33.
Variant type: single nucleotide variant.
Coding change: c.6518C>T on transcript NM_006231.4 (MANE Select); coding-DNA position 6518, C replaced by T.
Protein change: p.Ser2173Phe; replaces serine 2173 with phenylalanine.
Molecular consequence: missense variant.
Genome position (GRCh38, 1-based): chr12:132,626,130, G>A on the plus strand (C>T on the coding strand, the complement: POLE is on the minus strand). VCF-style: chr12-132626130-G-A. GRCh37 (hg19) VCF-style: chr12-133202716-G-A.
Other names: c.6518C>T (NM_006231.2); short protein forms S2173F.
Identifiers: ClinVar variation 540750 (VCV000540750.7), dbSNP rs1555301181, ClinGen allele CA387367132.